The following is an entry in ClinVar:

NM_006922.4(SCN3A):c.2032G>A (p.Glu678Lys)

Gene: SCN3A (sodium voltage-gated channel alpha subunit 3; minus strand). Cytogenetic location: 2q24.3.
Variant type: single nucleotide variant.
Coding change: c.2032G>A on transcript NM_006922.4 (MANE Select); coding-DNA position 2032, G replaced by A.
Protein change: p.Glu678Lys; replaces glutamic acid 678 with lysine.
Molecular consequence: missense variant.
Genome position (GRCh38, 1-based): chr2:165,139,596, C>T on the plus strand (G>A on the coding strand, the complement: SCN3A is on the minus strand). VCF-style: chr2-165139596-C-T. GRCh37 (hg19) VCF-style: chr2-165996106-C-T.
Other names: c.1885G>A, p.Glu629Lys (NM_001081676.2, NM_001081677.2); short protein forms E629K, E678K.
Identifiers: ClinVar variation 1310336 (VCV001310336.3), dbSNP rs1553527564, ClinGen allele CA349045902.

ClinVar aggregate classification (germline): Uncertain significance (1 of 4 stars; one submission).

Allele frequency attached by ClinVar (database versions not stated): gnomAD exomes below 0.00001.

Submission:

GeneDx
Classification: Uncertain significance. Last evaluated: 2025-12-30. Review status: criteria provided, single submitter. Criteria: GeneDx Variant Classification Process June 2021. Collection method: clinical testing. Allele origin: germline. Affected: yes.
Comment: Not observed at significant frequency in large population cohorts (gnomAD); In silico analysis supports that this missense variant has a deleterious effect on protein structure/function; Has not been previously published as pathogenic or benign to our knowledge